The following is an entry in ClinVar:

NM_000492.4(CFTR):c.2977G>T (p.Asp993Tyr)

Genes: CFTR (CF transmembrane conductance regulator; plus strand), CFTR-AS2 (CFTR antisense RNA 2; minus strand). Cytogenetic location: 7q31.2.
Variant type: single nucleotide variant.
Coding change: c.2977G>T on transcript NM_000492.4 (MANE Select); coding-DNA position 2977, G replaced by T.
Protein change: p.Asp993Tyr; replaces aspartic acid 993 with tyrosine.
Molecular consequence: missense variant.
Genome position (GRCh38, 1-based): chr7:117,606,742, G>T. VCF-style: chr7-117606742-G-T. GRCh37 (hg19) VCF-style: chr7-117246796-G-T.
Other names: short protein forms D993Y.
Identifiers: ClinVar variation 53611 (VCV000053611.10), dbSNP rs397508468, ClinGen allele CA326993.
Genomic context (GRCh38, chr7:117,606,742, plus strand): 5'-CTTAATAGATTCTCCAAAGATATAGCAATTTTGGATGACCTTCTGCCTCTTACCATATTT[G>T]ACTTCATCCAGGTATGTAAAAATAAGTACCGTTAAGTATGTCTGTATTATTAAAAAAACA-3'
Protein context (NP_000483.3, residues 983-1003): LDDLLPLTIF[Asp993Tyr]FIQLLLIVIG

ClinVar aggregate classification (germline): Conflicting classifications of pathogenicity. Review status: criteria provided, conflicting classifications (1 of 4 stars). 8 submissions from 8 submitters: Pathogenic (2); Likely pathogenic (3); Uncertain significance (2). 1 of the submissions does not count toward it. Last evaluated 2026-01-15.

Conditions:
CFTR-related disorder (CFTR-RD). Also called: CFTR-related condition; CFTR-related disorders. Identifiers: MedGen C5924204, MONDO:7770004.
Cystic fibrosis (CF). Also called: MUCOVISCIDOSIS. Identifiers: Orphanet 586, MedGen C0010674, MONDO:0009061, OMIM 219700. Disease mechanism: loss of function.
Congenital bilateral aplasia of vas deferens from CFTR mutation (CBAVD). Identifiers: Orphanet 48, MedGen C0403814, MONDO:0010178, OMIM 277180. Disease mechanism: loss of function.
Bronchiectasis with or without elevated sweat chloride 1 (BESC1). Also called: Cystic Fibrosis-Like Syndrome. Identifiers: Orphanet 60033, MedGen C2749757, MONDO:0008887, OMIM 211400.
Hereditary pancreatitis (PCTT). Also called: Hereditary chronic pancreatitis; PRSS1-Related Hereditary Pancreatitis. Identifiers: Orphanet 676, MedGen C0238339, MONDO:0008185, OMIM 167800.

Allele frequency attached by ClinVar (database versions not stated): gnomAD exomes below 0.00001.
gnomAD v4.1: 1 of 1,567,808 alleles (0.000064%); highest among the groups gnomAD compares: South Asian, 0.0011%; no homozygotes.

Submissions (8):

Natera, Inc.
Classification: Pathogenic for CFTR-related disorders. Last evaluated: 2026-01-15. Review status: criteria provided, single submitter. Criteria: Natera Variant Classification Schema (03/2026). Collection method: clinical testing. Allele origin: germline.
Comment: The c.2977G>T variant in CFTR is a missense variant predicted to cause substitution of aspartic acid to tyrosine at amino acid 993. This variant is rare in the general population with a frequency below the threshold expected for the associated phenotype(s). This variant has been observed in one or more individuals affected with the associated recessive disease, as either homozygous or compound heterozygous with a second variant (PMID: 15463906, 34976777, 36174992). Additionally, this variant has been observed to segregate in affected family members (PMID: 34976777). Functional studies show that this variant may disrupt protein function (PMID: 38388235). Computational prediction algorithms indicate this variant is likely to affect gene or protein function. Given the available evidence, this variant is classified as Pathogenic.

Fulgent Genetics
Classification: Likely pathogenic for Hereditary pancreatitis; Bronchiectasis with or without elevated sweat chloride 1; Cystic fibrosis; Congenital bilateral aplasia of vas deferens from CFTR mutation. Last evaluated: 2024-01-23. Review status: criteria provided, single submitter. Criteria: ACMG Guidelines, 2015. Collection method: clinical testing. Allele origin: germline.

Baylor Genetics
Classification: Likely pathogenic for Bronchiectasis with or without elevated sweat chloride 1. Last evaluated: 2023-09-03. Review status: criteria provided, single submitter. Criteria: ACMG Guidelines, 2015. Collection method: clinical testing. Allele origin: unknown.

Women's Health and Genetics/Laboratory Corporation of America, LabCorp
Classification: Uncertain significance. Last evaluated: 2023-02-01. Review status: criteria provided, single submitter. Criteria: LabCorp Variant Classification Summary - May 2015. Collection method: clinical testing. Allele origin: germline.
Comment: Variant summary: CFTR c.2977G>T (p.Asp993Tyr) results in a non-conservative amino acid change located in the ABC transporter type 1, transmembrane domain (IPR011527) of the encoded protein sequence. Five of five in-silico tools predict a damaging effect of the variant on protein function. The variant was absent in 251120 control chromosomes (gnomAD). c.2977G>T has been reported in the literature in individuals affected with Cystic Fibrosis (e.g. Claustres_2000, des Georges_2004, Dugueperoux_2004). These data indicate that the variant may be associated with disease. To our knowledge, no experimental evidence demonstrating an impact on protein function has been reported. One ClinVar submitter has assessed the variant since 2014: the variant was classified as pathogenic. Based on the evidence outlined above, the variant was classified as VUS-possibly pathogenic.

CFTR-France
Classification: Pathogenic for cystic fibrosis. Last evaluated: 2018-01-29. Review status: criteria provided, single submitter. Criteria: Claustres M et al. (Hum Mutat 2017). Collection method: curation. Allele origin: germline. Affected: yes.

Ambry Genetics
Classification: Uncertain significance for Cystic fibrosis. Last evaluated: 2014-06-24. Review status: criteria provided, single submitter. Criteria: Ambry Variant Classification Scheme 2023. Collection method: clinical testing. Allele origin: germline.
Comment: The p.D993Y variant (also known as c.2977G>T), located in coding exon 18 of the CFTR gene, results from a G to T substitution at nucleotide position 2977. The aspartic acid at codon 993 is replaced by tyrosine, an amino acid with highly dissimilar properties. This variant was reportedly detected in trans with deltaF508 in the CFTR gene in two patients with severe lung disease, a positive sweat test, who were pancreatic insufficient (Claustres et al. Cystic Fibrosis Mutation Database [database online] Toronto, ON, Canada: SickKids; 1995 & 1997). This variant was not reported in population based cohorts in the following databases: Database of Single Nucleotide Polymorphisms (dbSNP), NHLBI Exome Sequencing Project (ESP), and 1000 Genomes Project. In the ESP, this variant was not observed in 6493 samples (12986 alleles) with coverage at this position. This amino acid position is highly conserved in available vertebrate species. In addition, this alteration is predicted to be deleterious by in silico analysis. Since supporting evidence is limited at this time, the clinical significance of this variant remains unclear.

Juno Genomics, Hangzhou Juno Genomics, Inc
Classification: Likely pathogenic for Congenital bilateral aplasia of vas deferens from CFTR mutation; Cystic fibrosis. Review status: criteria provided, single submitter. Criteria: ACMG Guidelines, 2015. Collection method: clinical testing. Allele origin: germline.
Comment: Absent from controls (or at extremely low frequency if recessive) in Genome Aggregation Database.;Multiple lines of computational evidence support a deleterious effect on the gene or gene product.;Co-segregation with disease in multiple affected family members.;For recessive disorders, detected in trans with a pathogenic variant.;Patient's phenotype or family history is highly specific for a disease with a single genetic etiology.

ClinVar Staff, National Center for Biotechnology Information (NCBI)
No classification provided. Condition: CFTR-related disorders. Review status: no classification provided. Collection method: literature only. Allele origin: germline. Affected: yes. Not counted in ClinVar's aggregate classification.

Literature cited by the submitters: PubMed 15463906 (cited by Natera, Inc. and Women's Health and Genetics/Laboratory Corporation of America, LabCorp); PubMed 34976777 (cited by Natera, Inc.); PubMed 36174992 (cited by Natera, Inc.); PubMed 38388235 (cited by Natera, Inc.); PubMed 10923036 (cited by Women's Health and Genetics/Laboratory Corporation of America, LabCorp); PubMed 15698946 (cited by 3 submitters); PubMed 22483971 (cited by Ambry Genetics).